The following is an entry in ClinVar:

ClinVar aggregate classification (germline): Conflicting classifications of pathogenicity. Review status: criteria provided, conflicting classifications (1 of 4 stars). 4 submissions from 4 submitters: Uncertain significance (3); Likely benign (1). Last evaluated 2025-06-20.

Conditions:
Hereditary cancer-predisposing syndrome. Also called: Neoplastic Syndromes, Hereditary; Hereditary neoplastic syndrome; Tumor predisposition; Hereditary Cancer Syndrome. Identifiers: Orphanet 140162, MedGen C0027672, MeSH D009386, MONDO:0015356.
Neuroblastoma, susceptibility to, 3. Also called: ALK-Related Neuroblastic Tumor Susceptibility. Identifiers: Orphanet 635, MedGen C2751681, MONDO:0013083, OMIM 613014.

Allele frequency attached by ClinVar (database versions not stated): gnomAD 0.00001; gnomAD exomes 0.00003 and 0.00004; TOPMed 0.00003; ExAC 0.00007.
gnomAD v4.1: 16 of 1,613,884 alleles (0.00099%); highest among the groups gnomAD compares: Admixed American, 0.027%; no homozygotes.

Submissions (4):

Labcorp Genetics (formerly Invitae), Labcorp
Classification: Uncertain significance for Neuroblastoma, susceptibility to, 3. Last evaluated: 2025-06-20. Review status: criteria provided, single submitter. Criteria: Invitae Variant Classification Sherloc (09022015). Collection method: clinical testing. Allele origin: germline.
Comment: This sequence change replaces serine, which is neutral and polar, with asparagine, which is neutral and polar, at codon 1281 of the ALK protein (p.Ser1281Asn). This variant is present in population databases (rs761459938, gnomAD 0.03%). This variant has not been reported in the literature in individuals affected with ALK-related conditions. ClinVar contains an entry for this variant (Variation ID: 663680). An algorithm developed to predict the effect of missense changes on protein structure and function (PolyPhen-2) suggests that this variant is likely to be disruptive. In summary, the available evidence is currently insufficient to determine the role of this variant in disease. Therefore, it has been classified as a Variant of Uncertain Significance.

Baylor Genetics
Classification: Uncertain significance for Neuroblastoma, susceptibility to, 3. Last evaluated: 2024-03-14. Review status: criteria provided, single submitter. Criteria: ACMG Guidelines, 2015. Collection method: clinical testing. Allele origin: unknown.

GeneDx
Classification: Uncertain significance. Last evaluated: 2022-10-28. Review status: criteria provided, single submitter. Criteria: GeneDx Variant Classification Process June 2021. Collection method: clinical testing. Allele origin: germline. Affected: yes.
Comment: In silico analysis supports that this missense variant has a deleterious effect on protein structure/function; Has not been previously published as pathogenic or benign to our knowledge

Ambry Genetics
Classification: Likely benign for Hereditary cancer-predisposing syndrome. Last evaluated: 2022-06-07. Review status: criteria provided, single submitter. Criteria: Ambry Variant Classification Scheme 2023. Collection method: clinical testing. Allele origin: germline.

NM_004304.5(ALK):c.3842G>A (p.Ser1281Asn)

Gene: ALK (ALK receptor tyrosine kinase; minus strand). Cytogenetic location: 2p23.2.
Variant type: single nucleotide variant.
Coding change: c.3842G>A on transcript NM_004304.5 (MANE Select); coding-DNA position 3842, G replaced by A.
Protein change: p.Ser1281Asn; replaces serine 1281 with asparagine.
Molecular consequence: missense variant.
Genome position (GRCh38, 1-based): chr2:29,207,267, C>T on the plus strand (G>A on the coding strand, the complement: ALK is on the minus strand). VCF-style: chr2-29207267-C-T. GRCh37 (hg19) VCF-style: chr2-29430133-C-T.
Other names: c.638G>A, p.Ser213Asn (NM_001353765.2); short protein forms S1281N, S213N.
Identifiers: ClinVar variation 663680 (VCV000663680.13), dbSNP rs761459938, ClinGen allele CA1593740.